The following is an entry in ClinVar:

NM_033305.3(VPS13A):c.5273G>A (p.Trp1758Ter)

Gene: VPS13A (vacuolar protein sorting 13 homolog A; plus strand). Cytogenetic location: 9q21.2.
Variant type: single nucleotide variant.
Coding change: c.5273G>A on transcript NM_033305.3 (MANE Select); coding-DNA position 5273, G replaced by A.
Protein change: p.Trp1758Ter; replaces tryptophan 1758 with a stop codon.
Molecular consequence: nonsense.
Genome position (GRCh38, 1-based): chr9:77,318,551, G>A. VCF-style: chr9-77318551-G-A. GRCh37 (hg19) VCF-style: chr9-79933467-G-A.
Other names: c.5156G>A, p.Trp1719Ter (NM_001018037.2); c.5273G>A, p.Trp1758Ter (NM_001018038.3, NM_015186.4); short protein forms W1719*, W1758*.
Identifiers: ClinVar variation 5012591 (VCV005012591.1).

ClinVar aggregate classification (germline): Pathogenic (1 of 4 stars; one submission).

Conditions:
VPS13A-related neurodegenerative disease. Also called: ACANTHOCYTOSIS WITH NEUROLOGIC DISORDER; LEVINE-CRITCHLEY SYNDROME; Choreoacanthocytosis; Chorea-acanthocytosis; Choreaacanthocytosis; VPS13A Disease. Identifiers: Orphanet 2388, MedGen C0393576, MONDO:0008695, OMIM 200150.

gnomAD v4.1: 1 of 1,613,790 alleles (0.000062%); highest among the groups gnomAD compares: Non-Finnish European, 0.000085%; no homozygotes.

Submission:

Myriad Genetics, Inc.
Classification: Pathogenic for VPS13A-related neurodegenerative disease. Last evaluated: 2023-12-19. Review status: criteria provided, single submitter. Criteria: Myriad Autosomal Dominant, Autosomal Recessive and X-Linked Classification Criteria (2023). Collection method: clinical testing. Allele origin: unknown.
Comment: NM_033305.2(VPS13A):c.5273G>A(W1758*) is expected to be pathogenic in the context of VPS13A disease. This variant is predicted to lead to an abnormal or absent protein product due to the creation of a premature termination codon in VPS13A, a gene where loss-of-function variants are known to be pathogenic. Please note: this variant was assessed in the context of healthy population screening.